The following is an entry in ClinVar:

NM_000503.6(EYA1):c.372del (p.Ala123_Tyr124insTer)

Gene: EYA1 (EYA transcriptional coactivator and phosphatase 1; minus strand). Cytogenetic location: 8q13.3.
Variant type: Deletion.
Coding change: c.372del on transcript NM_000503.6 (MANE Select); coding-DNA position 372, one base deleted (T; older notation c.372delT).
Protein change: p.Ala123_Tyr124insTer.
Molecular consequence: nonsense.
Genome position (GRCh38, 1-based): chr8:71,321,780, A deleted on the plus strand (T on the coding strand, the reverse complement: EYA1 is on the minus strand). VCF-style (leftmost placement, unchanged base first): chr8-71321779-CA-C. GRCh37 (hg19) VCF-style: chr8-72234014-CA-C.
Other names: c.369del, p.Ala122_Tyr123insTer (NM_001288574.2); c.21del, p.Ala6_Tyr7insTer (NM_001288575.2); c.459del, p.Ala152_Tyr153insTer (NM_001370333.1, NM_172059.5); c.372del, p.Ala123_Tyr124insTer (NM_001370334.1, NM_001370335.1, NM_172058.4); c.456del, p.Ala151_Tyr152insTer (NM_001370336.1); c.273del, p.Ala90_Tyr91insTer (NM_001411797.1, NM_172060.4).
Identifiers: ClinVar variation 3601109 (VCV003601109.1).
Genomic context (GRCh38, chr8:71,321,779, plus strand): 5'-TTGCAGGTTACTCACCATATGAGGAAATGCCGTACGGCTGTCCTGGCTGTGGGTACGTGG[CA>C]TAGGCTGTAGCTTGTTGCATTCCTGTGGTAAACTGTGTTTGCCCATATGCAGCCATAGTT-3'

ClinVar aggregate classification (germline): Likely pathogenic (1 of 4 stars; one submission).

Conditions:
Branchiootorenal syndrome 1. Also called: Branchio-Oto-Renal Syndrome 1. Identifiers: Orphanet 107, MedGen C4551702, MONDO:0007236, OMIM 113650.

Submission:

Institute of Rare Diseases, West China Hospital, Sichuan University
Classification: Likely pathogenic for Branchiootorenal syndrome 1. Last evaluated: 2025-01-09. Review status: criteria provided, single submitter. Criteria: ClinGen HL ACMG Specifications v1. Collection method: research. Allele origin: germline. Affected: yes.
Comment: PVS1;PM2_Supporting